The following is an entry in ClinVar:

ClinVar aggregate classification (germline): Likely pathogenic (1 of 4 stars; one submission).

Conditions:
Hereditary cancer-predisposing syndrome. Also called: Hereditary neoplastic syndrome; Tumor predisposition; Neoplastic Syndromes, Hereditary; Hereditary Cancer Syndrome. Identifiers: Orphanet 140162, MedGen C0027672, MeSH D009386, MONDO:0015356.

Submission:

Sema4
Classification: Likely pathogenic for Hereditary cancer-predisposing syndrome. Last evaluated: 2021-11-22. Review status: criteria provided, single submitter. Criteria: Sema4 Curation Guidelines. Collection method: curation. Allele origin: germline.
Comment: To the best of our knowledge, the CEBPA c.344_345delCC (p.P115RfsX54) variant has not been reported in individuals with CEBPA-related disease. This variant causes a frameshift at amino acid 115 that results in premature termination 54 amino acids downstream. Variants in this region have been associated with acute myeloid leukemia (PMID: 26162409). This variant is not reported in the population database Genome Aggregation Database (PMID: 32461654), and has not been reported in ClinVar. Based on the current evidence available, this variant is interpreted as likely pathogenic.

Literature cited by the submitters: PubMed 26162409.

NM_004364.5(CEBPA):c.344_345del (p.Pro115fs)

Gene: CEBPA (CCAAT enhancer binding protein alpha; minus strand). Cytogenetic location: 19q13.11.
Variant type: Deletion.
Coding change: c.344_345del on transcript NM_004364.5 (MANE Select); coding-DNA positions 344 to 345, 2 bases deleted (CC; older notation c.344_345delCC).
Protein change: p.Pro115fs; shifts the reading frame from proline 115.
Molecular consequence: frameshift variant. On other transcripts: 5 prime UTR variant (1).
Genome position (GRCh38, 1-based): chr19:33,302,070-33,302,071, GG deleted on the plus strand (CC on the coding strand, the reverse complement: CEBPA is on the minus strand); deleting any 2 consecutive bases within chr19:33,302,070-33,302,073 gives the same sequence; the c. name uses the placement nearest the transcript's 3' end. VCF-style (leftmost placement, unchanged base first): chr19-33302069-CGG-C. GRCh37 (hg19) VCF-style: chr19-33792975-CGG-C.
Other names: c.-14_-13del (NM_001285829.2); c.449_450del, p.Pro150fs (NM_001287424.2); c.302_303del, p.Pro101fs (NM_001287435.2); short protein forms P101fs, P115fs, P150fs.
Identifiers: ClinVar variation 1692808 (VCV001692808.1), dbSNP rs2145262808, ClinGen allele CA2573156220.